The following is an entry in ClinVar:

NM_001083116.3(PRF1):c.1428dup (p.Pro477fs)

Gene: PRF1 (perforin 1; minus strand). Cytogenetic location: 10q22.1.
Variant type: Duplication.
Coding change: c.1428dup on transcript NM_001083116.3 (MANE Select); coding-DNA position 1428, one base duplicated (G; older notation c.1428dupG).
Protein change: p.Pro477fs; shifts the reading frame from proline 477.
Molecular consequence: frameshift variant.
Genome position (GRCh38, 1-based): chr10:70,598,293, C duplicated on the plus strand (G on the coding strand, the reverse complement: PRF1 is on the minus strand); the first of 6 consecutive C bases (chr10:70,598,293-70,598,298); duplicating any one gives the same sequence. VCF-style (leftmost placement, unchanged base first): chr10-70598292-G-GC. GRCh37 (hg19) VCF-style: chr10-72358048-G-GC.
Other names: c.1428dup, p.Pro477fs (NM_005041.6); short protein forms P477fs.
Identifiers: ClinVar variation 2088310 (VCV002088310.4), dbSNP rs748926167, ClinGen allele CA5538745.

ClinVar aggregate classification (germline): Pathogenic (1 of 4 stars; one submission).

Conditions:
Familial hemophagocytic lymphohistiocytosis 2 (FHL2). Also called: PRF1-Related Familial Hemophagocytic Lymphohistiocytosis (PRF1-fHLH). Identifiers: Orphanet 540, MedGen C1863727, MONDO:0011337, OMIM 603553.

Submission:

Labcorp Genetics (formerly Invitae), Labcorp
Classification: Pathogenic for Familial hemophagocytic lymphohistiocytosis 2. Last evaluated: 2023-12-23. Review status: criteria provided, single submitter. Criteria: Invitae Variant Classification Sherloc (09022015). Collection method: clinical testing. Allele origin: germline.
Comment: This sequence change creates a premature translational stop signal (p.Pro477Alafs*16) in the PRF1 gene. While this is not anticipated to result in nonsense mediated decay, it is expected to disrupt the last 79 amino acid(s) of the PRF1 protein. This variant is present in population databases (rs754622171, gnomAD 0.003%). This variant has not been reported in the literature in individuals affected with PRF1-related conditions. ClinVar contains an entry for this variant (Variation ID: 2088310). Algorithms developed to predict the effect of sequence changes on RNA splicing suggest that this variant may create or strengthen a splice site. This variant disrupts a region of the PRF1 protein in which other variant(s) (p.Asp491Asn) have been determined to be pathogenic (PMID: 17477373, 25577959, 33746956). This suggests that this is a clinically significant region of the protein, and that variants that disrupt it are likely to be disease-causing. For these reasons, this variant has been classified as Pathogenic.

Literature cited by the submitters: PubMed 17477373; PubMed 25577959; PubMed 33746956.